The following is an entry in ClinVar:

NM_000260.4(MYO7A):c.3042G>T (p.Thr1014=)

Gene: MYO7A (myosin VIIA; plus strand). Cytogenetic location: 11q13.5.
Variant type: single nucleotide variant.
Coding change: c.3042G>T on transcript NM_000260.4 (MANE Select); coding-DNA position 3042, G replaced by T.
Protein change: p.Thr1014=; no amino-acid change (threonine 1014 retained).
Molecular consequence: synonymous variant.
Genome position (GRCh38, 1-based): chr11:77,182,088, G>T. VCF-style: chr11-77182088-G-T. GRCh37 (hg19) VCF-style: chr11-76893134-G-T.
Other names: c.3042G>T, p.Thr1014= (NM_001127180.2); c.3009G>T, p.Thr1003= (NM_001369365.1).
Identifiers: ClinVar variation 43199 (VCV000043199.25), dbSNP rs111033507, ClinGen allele CA132278.

ClinVar aggregate classification (germline): Conflicting classifications of pathogenicity. Review status: criteria provided, conflicting classifications (1 of 4 stars). 10 submissions from 8 submitters: Uncertain significance (1); Benign (5); Likely benign (1). 3 of the submissions do not count toward it. Last evaluated 2026-02-02.

Conditions:
Usher syndrome type 1 (USH1). Also called: RETINITIS PIGMENTOSA AND CONGENITAL DEAFNESS. Identifiers: Orphanet 231169, Orphanet 886, MedGen C1568247, MONDO:0010168, OMIM 276900.
Usher syndrome type 1B (USH1B). Also called: Usher syndrome type IB. Identifiers: MedGen C1848638, MONDO:0700087.
Autosomal dominant nonsyndromic hearing loss 11. Identifiers: Orphanet 90635, MedGen C1832475, MONDO:0011032, OMIM 601317.
Autosomal recessive nonsyndromic hearing loss 2. Also called: DEAFNESS, AUTOSOMAL RECESSIVE 2; NEUROSENSORY NONSYNDROMIC RECESSIVE DEAFNESS 2. Identifiers: Orphanet 90636, MedGen C1838701, MONDO:0010807, OMIM 600060.

Allele frequency attached by ClinVar (database versions not stated): gnomAD 0.00617; ESP Exome Variant Server 0.00654; 1000 Genomes Project 0.00739; TOPMed 0.00741; 1000 Genomes Project 30x 0.00781.
gnomAD v4.1: 1,966 of 1,613,324 alleles (0.12%); highest among the groups gnomAD compares: African/African-American, 2.3%; 23 homozygotes.

Submissions (10):

Labcorp Genetics (formerly Invitae), Labcorp
Classification: Benign. Last evaluated: 2026-02-02. Review status: criteria provided, single submitter. Criteria: Invitae Variant Classification Sherloc (09022015). Collection method: clinical testing. Allele origin: germline.

Blueprint Genetics
Classification: Benign. Last evaluated: 2024-10-16. Review status: criteria provided, single submitter. Criteria: ACMG Guidelines, 2015. Collection method: clinical testing. Allele origin: germline.

GeneDx
Classification: Benign. Last evaluated: 2019-05-20. Review status: criteria provided, single submitter. Criteria: GeneDx Variant Classification Process June 2021. Collection method: clinical testing. Allele origin: germline. Affected: yes.

Illumina Laboratory Services, Illumina
Classification: Uncertain significance for Autosomal recessive nonsyndromic hearing loss 2. Last evaluated: 2018-01-12. Review status: criteria provided, single submitter. Criteria: ICSL Variant Classification Criteria 13 December 2019. Collection method: clinical testing. Allele origin: germline.

Illumina Laboratory Services, Illumina
Classification: Likely benign for Usher syndrome type 1. Last evaluated: 2018-01-12. Review status: criteria provided, single submitter. Criteria: ICSL Variant Classification Criteria 13 December 2019. Collection method: clinical testing. Allele origin: germline.
Comment: This variant was observed in the ICSL laboratory as part of a predisposition screen in an ostensibly healthy population. It had not been previously curated by ICSL or reported in the Human Gene Mutation Database (HGMD: prior to June 1st, 2018), and was therefore a candidate for classification through an automated scoring system. Utilizing variant allele frequency, disease prevalence and penetrance estimates, and inheritance mode, an automated score was calculated to assess if this variant is too frequent to cause the disease. Based on the score and internal cut-off values, a variant classified as likely benign is not then subjected to further curation. The score for this variant resulted in a classification of likely benign for this disease.

Illumina Laboratory Services, Illumina
Classification: Benign for Autosomal dominant nonsyndromic hearing loss 11. Last evaluated: 2018-01-12. Review status: criteria provided, single submitter. Criteria: ICSL Variant Classification Criteria 13 December 2019. Collection method: clinical testing. Allele origin: germline.
Comment: This variant was observed in the ICSL laboratory as part of a predisposition screen in an ostensibly healthy population. It had not been previously curated by ICSL or reported in the Human Gene Mutation Database (HGMD: prior to June 1st, 2018), and was therefore a candidate for classification through an automated scoring system. Utilizing variant allele frequency, disease prevalence and penetrance estimates, and inheritance mode, an automated score was calculated to assess if this variant is too frequent to cause the disease. Based on the score and internal cut-off values, a variant classified as benign is not then subjected to further curation. The score for this variant resulted in a classification of benign for this disease.

Laboratory for Molecular Medicine, Mass General Brigham Personalized Medicine
Classification: Benign. Last evaluated: 2012-02-20. Review status: criteria provided, single submitter. Criteria: LMM Criteria. Collection method: clinical testing. Allele origin: germline. Observed: 6 variant alleles.
Comment: Thr1014Thr in exon 24 of MYO7A: This variant is not expected to have clinical si gnificance because it does not alter an amino acid residue, is not located withi n the splice consensus sequence and has been identified in 2% (72/3600) of Afric an American chromosomes from a broad population by the NHLBI Exome Sequencing Pr oject (dbSNP rs111033507).

Natera, Inc.
Classification: Benign for Usher syndrome type 1B. Last evaluated: 2019-12-04. Review status: no assertion criteria provided. Collection method: clinical testing. Allele origin: germline. Not counted in ClinVar's aggregate classification.

Clinical Genetics DNA and cytogenetics Diagnostics Lab, Erasmus MC, Erasmus Medical Center
Classification: Benign. Review status: no assertion criteria provided. Collection method: clinical testing. Allele origin: germline. Affected: yes. Study: VKGL Data-share Consensus. Not counted in ClinVar's aggregate classification.

Clinical Genetics, Academic Medical Center
Classification: Benign. Review status: no assertion criteria provided. Collection method: clinical testing. Allele origin: germline. Affected: yes. Study: VKGL Data-share Consensus. Not counted in ClinVar's aggregate classification.